The following is an entry in ClinVar:

ClinVar aggregate classification (germline): Uncertain significance. Review status: criteria provided, multiple submitters, no conflicts (2 of 4 stars). 2 submissions from 2 submitters: Uncertain significance (2). Last evaluated 2025-03-10.

Conditions:
Gorlin syndrome. Also called: Nevoid Basal Cell Carcinoma Syndrome; Basal cell nevus syndrome. Identifiers: Orphanet 377, MedGen C0004779, MONDO:0007187.
Medulloblastoma (MDB). Also called: Medulloblastoma, somatic; MEDULLOBLASTOMA PREDISPOSITION SYNDROME. Identifiers: Orphanet 616, MedGen C0025149, MeSH D008527, MONDO:0007959, OMIM 155255, HP:0002885.
Hereditary cancer-predisposing syndrome. Also called: Tumor predisposition; Hereditary neoplastic syndrome; Neoplastic Syndromes, Hereditary; Hereditary Cancer Syndrome. Identifiers: Orphanet 140162, MedGen C0027672, MeSH D009386, MONDO:0015356.

Allele frequency attached by ClinVar (database versions not stated): TOPMed below 0.00001.

Submissions (2):

Ambry Genetics
Classification: Uncertain significance for Hereditary cancer-predisposing syndrome. Last evaluated: 2025-03-10. Review status: criteria provided, single submitter. Criteria: Ambry Variant Classification Scheme 2023. Collection method: clinical testing. Allele origin: germline.
Comment: The p.V188A variant (also known as c.563T>C), located in coding exon 4 of the SUFU gene, results from a T to C substitution at nucleotide position 563. The valine at codon 188 is replaced by alanine, an amino acid with similar properties. This amino acid position is conserved. In addition, the in silico prediction for this alteration is inconclusive. Based on the available evidence, the clinical significance of this variant remains unclear.

Labcorp Genetics (formerly Invitae), Labcorp
Classification: Uncertain significance for Gorlin syndrome; Medulloblastoma. Last evaluated: 2024-10-09. Review status: criteria provided, single submitter. Criteria: Invitae Variant Classification Sherloc (09022015). Collection method: clinical testing. Allele origin: germline.
Comment: This sequence change replaces valine, which is neutral and non-polar, with alanine, which is neutral and non-polar, at codon 188 of the SUFU protein (p.Val188Ala). This variant is not present in population databases (gnomAD no frequency). This variant has not been reported in the literature in individuals affected with SUFU-related conditions. ClinVar contains an entry for this variant (Variation ID: 937887). Invitae Evidence Modeling of protein sequence and biophysical properties (such as structural, functional, and spatial information, amino acid conservation, physicochemical variation, residue mobility, and thermodynamic stability) indicates that this missense variant is not expected to disrupt SUFU protein function with a negative predictive value of 80%. In summary, the available evidence is currently insufficient to determine the role of this variant in disease. Therefore, it has been classified as a Variant of Uncertain Significance.

NM_016169.4(SUFU):c.563T>C (p.Val188Ala)

Gene: SUFU (SUFU negative regulator of hedgehog signaling; plus strand). Cytogenetic location: 10q24.32.
Variant type: single nucleotide variant.
Coding change: c.563T>C on transcript NM_016169.4 (MANE Select); coding-DNA position 563, T replaced by C.
Protein change: p.Val188Ala; replaces valine 188 with alanine.
Molecular consequence: missense variant.
Genome position (GRCh38, 1-based): chr10:102,592,690, T>C. VCF-style: chr10-102592690-T-C. GRCh37 (hg19) VCF-style: chr10-104352447-T-C.
Other names: c.563T>C, p.Val188Ala (NM_001178133.2); short protein forms V188A.
Identifiers: ClinVar variation 937887 (VCV000937887.11), dbSNP rs2063416415, ClinGen allele CA377908589.